The following is an entry in ClinVar:

ClinVar aggregate classification (germline): Pathogenic/Likely pathogenic. Review status: criteria provided, multiple submitters, no conflicts (2 of 4 stars). 4 submissions from 4 submitters: Pathogenic (1); Likely pathogenic (2). 1 of the submissions does not count toward it. Last evaluated 2026-03-02.

Conditions:
TH-deficient dopa-responsive dystonia. Also called: DYT-TH; Tyrosine Hydroxylase-Deficient Dopa-Responsive Dystonia; Segawa syndrome, autosomal recessive. Identifiers: Orphanet 101150, MedGen C2673535, MONDO:0011551, OMIM 605407.

Submissions (4):

Myriad Genetics, Inc.
Classification: Likely pathogenic for TH-deficient dopa-responsive dystonia. Last evaluated: 2026-03-02. Review status: criteria provided, single submitter. Criteria: Myriad Autosomal Dominant, Autosomal Recessive and X-Linked Classification Criteria (2023). Collection method: clinical testing. Allele origin: unknown.
Comment: NM_199292.2(TH):c.1145T>C(I382T) is a missense variant classified as likely pathogenic in the context of tyrosine hydroxylase deficiency. I382T has been observed in cases with relevant disease (PMID: 22264700, Zhu_2021_(Article)). Relevant functional assessments of this variant are not available in the literature. I382T has not been observed in referenced population frequency databases. In summary, NM_199292.2(TH):c.1145T>C(I382T) is a missense variant that has been observed more frequently in cases with the relevant disease than in healthy populations. Please note: this variant was assessed in the context of healthy population screening.

Natera, Inc.
Classification: Likely pathogenic for Autosomal recessive Segawa syndrome. Last evaluated: 2025-04-20. Review status: criteria provided, single submitter. Criteria: Natera Variant Classification Schema (03/2026). Collection method: clinical testing. Allele origin: germline.
Comment: The c.1145T>C variant in TH is a missense variant predicted to cause substitution of isoleucine to threonine at amino acid 382. This variant is rare in the general population with a frequency below the threshold expected for the associated phenotype(s). This variant has been observed in one or more individuals affected with the associated recessive disease, as either homozygous or compound heterozygous with a second variant (PMID: 22264700). Computational prediction algorithms indicate this variant is likely to affect gene or protein function. Given the available evidence, this variant is classified as Likely Pathogenic.

Baylor Genetics
Classification: Pathogenic for TH-deficient dopa-responsive dystonia. Last evaluated: 2023-12-27. Review status: criteria provided, single submitter. Criteria: ACMG Guidelines, 2015. Collection method: clinical testing. Allele origin: unknown.

Counsyl
Classification: Uncertain significance for TH-deficient dopa-responsive dystonia. Last evaluated: 2017-08-17. Review status: no assertion criteria provided. Collection method: clinical testing. Allele origin: unknown. Not counted in ClinVar's aggregate classification.

Literature cited by the submitters: PubMed 22264700 (cited by Natera, Inc. and Counsyl).

NM_000360.4(TH):c.1052T>C (p.Ile351Thr)

Gene: TH (tyrosine hydroxylase; minus strand). Cytogenetic location: 11p15.5.
Variant type: single nucleotide variant.
Coding change: c.1052T>C on transcript NM_000360.4 (MANE Select); coding-DNA position 1052, T replaced by C.
Protein change: p.Ile351Thr; replaces isoleucine 351 with threonine.
Molecular consequence: missense variant.
Genome position (GRCh38, 1-based): chr11:2,166,054, A>G on the plus strand (T>C on the coding strand, the complement: TH is on the minus strand). VCF-style: chr11-2166054-A-G. GRCh37 (hg19) VCF-style: chr11-2187284-A-G.
Other names: c.1145T>C, p.Ile382Thr (NM_199292.3); c.1133T>C, p.Ile378Thr (NM_199293.3); short protein forms I382T, I351T, I378T.
Identifiers: ClinVar variation 553397 (VCV000553397.6), dbSNP rs1554922725, ClinGen allele CA379125893.